The following is an entry in ClinVar:

ClinVar aggregate classification (germline): Conflicting classifications of pathogenicity. Review status: criteria provided, conflicting classifications (1 of 4 stars). 3 submissions from 3 submitters: Uncertain significance (2); Likely benign (1). Last evaluated 2025-10-02.

Conditions:
Familial hypobetalipoproteinemia 1. Also called: APOB-Related Familial Hypobetalipoproteinemia; Hypobetalipoproteinemia, normotriglyceridemic; Acanthocytosis with hypobetalipoproteinemia. Identifiers: MedGen C4551990, MONDO:0014252, OMIM 615558.
Hypercholesterolemia, autosomal dominant, type B (FHCL2). Also called: APOB-Related Familial Hypercholesterolemia, Autosomal Dominant; HYPERCHOLESTEROLEMIA, FAMILIAL, DUE TO LIGAND-DEFECTIVE APOLIPOPROTEIN B; Hyperlipoproteinemia Type IIb; Familial Hypercholesterolemia Type B; APOLIPOPROTEIN B-100, FAMILIAL DEFECTIVE; APOLIPOPROTEIN B-100, FAMILIAL LIGAND-DEFECTIVE. Identifiers: MedGen C1704417, MONDO:0007751, OMIM 144010.
Cardiovascular phenotype. Identifiers: MedGen CN230736.

Allele frequency attached by ClinVar (database versions not stated): gnomAD 0.00001; TOPMed 0.00001.
gnomAD v4.1: 35 of 1,613,898 alleles (0.0022%); highest among the groups gnomAD compares: Non-Finnish European, 0.0029%; no homozygotes.

Submissions (3):

Ambry Genetics
Classification: Uncertain significance for Cardiovascular phenotype. Last evaluated: 2025-10-02. Review status: criteria provided, single submitter. Criteria: Ambry Variant Classification Scheme 2023. Collection method: clinical testing. Allele origin: germline.
Comment: The p.T3693N variant (also known as c.11078C>A), located in coding exon 26 of the APOB gene, results from a C to A substitution at nucleotide position 11078. The threonine at codon 3693 is replaced by asparagine, an amino acid with similar properties. This amino acid position is well conserved in available vertebrate species. In addition, this alteration is predicted to be tolerated by in silico analysis. Based on the available evidence, the clinical significance of this variant remains unclear.

Labcorp Genetics (formerly Invitae), Labcorp
Classification: Likely benign for Familial hypobetalipoproteinemia 1; Hypercholesterolemia, autosomal dominant, type B. Last evaluated: 2025-04-17. Review status: criteria provided, single submitter. Criteria: Invitae Variant Classification Sherloc (09022015). Collection method: clinical testing. Allele origin: germline.

Fulgent Genetics
Classification: Uncertain significance for Hypercholesterolemia, autosomal dominant, type B; Familial hypobetalipoproteinemia 1. Last evaluated: 2021-11-07. Review status: criteria provided, single submitter. Criteria: ACMG Guidelines, 2015. Collection method: clinical testing. Allele origin: unknown.

NM_000384.3(APOB):c.11078C>A (p.Thr3693Asn)

Gene: APOB (apolipoprotein B; minus strand). Cytogenetic location: 2p24.1.
Variant type: single nucleotide variant.
Coding change: c.11078C>A on transcript NM_000384.3 (MANE Select); coding-DNA position 11078, C replaced by A.
Protein change: p.Thr3693Asn; replaces threonine 3693 with asparagine.
Molecular consequence: missense variant.
Genome position (GRCh38, 1-based): chr2:21,005,790, G>T on the plus strand (C>A on the coding strand, the complement: APOB is on the minus strand). VCF-style: chr2-21005790-G-T. GRCh37 (hg19) VCF-style: chr2-21228662-G-T.
Other names: c.11078C>A (NM_000384.2); short protein forms T3693N.
Identifiers: ClinVar variation 1351331 (VCV001351331.8), dbSNP rs776068398, ClinGen allele CA43494661.